The following is an entry in ClinVar:

NM_014633.5(CTR9):c.3133_3135delinsTCA (p.Glu1045Ser)

Gene: CTR9 (CTR9 component of Paf1/RNA polymerase II complex; plus strand). Cytogenetic location: 11p15.4.
Variant type: Indel.
Coding change: c.3133_3135delinsTCA on transcript NM_014633.5 (MANE Select); coding-DNA positions 3133 to 3135, GAG replaced by TCA.
Protein change: p.Glu1045Ser; replaces glutamic acid 1045 with serine.
Molecular consequence: missense variant.
Genome position (GRCh38, 1-based): chr11:10,778,716-10,778,718, GAG replaced by TCA. VCF-style: chr11-10778716-GAG-TCA. GRCh37 (hg19) VCF-style: chr11-10800263-GAG-TCA.
Other names: c.3061_3063delinsTCA, p.Glu1021Ser (NM_001346279.2); short protein forms E1021S, E1045S.
Identifiers: ClinVar variation 4976317 (VCV004976317.1).
Genomic context (GRCh38, chr11:10,778,716, plus strand): 5'-TAACCAATGATCATCTTTGCCAGACATCCCAGGAACAGCAACAGCAACAGTGACTCAGAC[GAG>TCA]GACGAACAACGAAAGAAATGTGCCTCATCAGAGAGTGATTCCGATGAGAACCAGAACAAG-3'
Protein context (NP_055448.1, residues 1035-1055): RNSNSNSDSD[Glu1045Ser]DEQRKKCASS

ClinVar aggregate classification (germline): Uncertain significance (1 of 4 stars; one submission).

Submission:

GeneDx
Classification: Uncertain significance. Last evaluated: 2026-02-05. Review status: criteria provided, single submitter. Criteria: GeneDx Variant Classification Process June 2021. Collection method: clinical testing. Allele origin: germline.
Comment: Not observed at significant frequency in large population cohorts (gnomAD); In silico analysis supports a deleterious effect on protein structure/function; Has not been previously published as pathogenic or benign to our knowledge